The following is an entry in ClinVar:

NM_004036.5(ADCY3):c.1513C>G (p.Gln505Glu)

Gene: ADCY3 (adenylate cyclase 3; minus strand). Cytogenetic location: 2p23.3.
Variant type: single nucleotide variant.
Coding change: c.1513C>G on transcript NM_004036.5 (MANE Select); coding-DNA position 1513, C replaced by G.
Protein change: p.Gln505Glu; replaces glutamine 505 with glutamic acid.
Molecular consequence: missense variant.
Genome position (GRCh38, 1-based): chr2:24,838,465, G>C on the plus strand (C>G on the coding strand, the complement: ADCY3 is on the minus strand). VCF-style: chr2-24838465-G-C. GRCh37 (hg19) VCF-style: chr2-25061334-G-C.
Other names: c.1513C>G, p.Gln505Glu (NM_001320613.2, NM_001377129.1, NM_001377130.1 and 1 more transcripts); c.1579C>G, p.Gln527Glu (NM_001377128.1); c.790C>G, p.Gln264Glu (NM_001377131.1); short protein forms Q264E, Q527E, Q505E.
Identifiers: ClinVar variation 1359746 (VCV001359746.8), dbSNP rs2148544666, ClinGen allele CA346060647.
Genomic context (GRCh38, chr2:24,838,465, plus strand): 5'-TGGGGTGGGTGGGGTGGGTGGGGTGGGGTGGGGAACTCACCGAGCCATTGAGGCCATTCT[G>C]GGTGGCTGTTTTCTTCACCTCTGGCTTGGAGGCAATGATGAGGTAGGTTTCAATACCCTT-3'
Protein context (NP_004027.2, residues 495-515): SKPEVKKTAT[Gln505Glu]NGLNGSALPN

ClinVar aggregate classification (germline): Uncertain significance (1 of 4 stars; one submission).

Submission:

Labcorp Genetics (formerly Invitae), Labcorp
Classification: Uncertain significance. Last evaluated: 2021-06-07. Review status: criteria provided, single submitter. Criteria: Invitae Variant Classification Sherloc (09022015). Collection method: clinical testing. Allele origin: germline.
Comment: In summary, the available evidence is currently insufficient to determine the role of this variant in disease. Therefore, it has been classified as a Variant of Uncertain Significance. This sequence change replaces glutamine with glutamic acid at codon 505 of the ADCY3 protein (p.Gln505Glu). The glutamine residue is weakly conserved and there is a small physicochemical difference between glutamine and glutamic acid. This variant is not present in population databases (ExAC no frequency). This variant has not been reported in the literature in individuals with ADCY3-related conditions. Algorithms developed to predict the effect of missense changes on protein structure and function are either unavailable or do not agree on the potential impact of this missense change (SIFT: "Not Available"; PolyPhen-2: "Benign"; Align-GVGD: "Not Available").